The following is an entry in ClinVar:

ClinVar aggregate classification (germline): Uncertain significance. Review status: criteria provided, multiple submitters, no conflicts (2 of 4 stars). 2 submissions from 2 submitters: Uncertain significance (2). Last evaluated 2026-08-12.

Allele frequency attached by ClinVar (database versions not stated): ExAC 0.00001; gnomAD 0.00004.
gnomAD v4.1: 48 of 1,614,010 alleles (0.003%); highest among the groups gnomAD compares: African/African-American, 0.0053%; no homozygotes.

Submissions (2):

GeneDx
Classification: Uncertain significance. Last evaluated: 2026-08-12. Review status: criteria provided, single submitter. Criteria: GeneDx Variant Classification Process June 2021. Collection method: clinical testing. Allele origin: germline.
Comment: Not observed at significant frequency in large population cohorts (gnomAD); In silico analysis suggests that this missense variant does not alter protein structure/function; Has not been previously published as pathogenic or benign to our knowledge

Labcorp Genetics (formerly Invitae), Labcorp
Classification: Uncertain significance. Last evaluated: 2023-05-24. Review status: criteria provided, single submitter. Criteria: Invitae Variant Classification Sherloc (09022015). Collection method: clinical testing. Allele origin: germline.
Comment: In summary, the available evidence is currently insufficient to determine the role of this variant in disease. Therefore, it has been classified as a Variant of Uncertain Significance. Algorithms developed to predict the effect of missense changes on protein structure and function output the following: SIFT: "Not Available"; PolyPhen-2: "Probably Damaging"; Align-GVGD: "Not Available". The lysine amino acid residue is found in multiple mammalian species, which suggests that this missense change does not adversely affect protein function. ClinVar contains an entry for this variant (Variation ID: 1307780). This variant has not been reported in the literature in individuals affected with DSPP-related conditions. This variant is present in population databases (rs776196175, gnomAD 0.004%). This sequence change replaces glutamic acid, which is acidic and polar, with lysine, which is basic and polar, at codon 207 of the DSPP protein (p.Glu207Lys).

NM_014208.3(DSPP):c.619G>A (p.Glu207Lys)

Genes: DMP1-AS1 (DMP1 and DSPP antisense RNA 1; minus strand), DSPP (dentin sialophosphoprotein; plus strand). Cytogenetic location: 4q22.1.
Variant type: single nucleotide variant.
Coding change: c.619G>A on transcript NM_014208.3 (MANE Select); coding-DNA position 619, G replaced by A.
Protein change: p.Glu207Lys; replaces glutamic acid 207 with lysine.
Molecular consequence: missense variant.
Genome position (GRCh38, 1-based): chr4:87,612,805, G>A. VCF-style: chr4-87612805-G-A. GRCh37 (hg19) VCF-style: chr4-88533957-G-A.
Other names: short protein forms E207K.
Identifiers: ClinVar variation 1307780 (VCV001307780.6), dbSNP rs776196175, ClinGen allele CA3000926.